The following is an entry in ClinVar:

NM_001605.3(AARS1):c.11_15del (p.Thr4fs)

Gene: AARS1 (alanyl-tRNA synthetase 1; minus strand). Cytogenetic location: 16q22.1.
Variant type: Microsatellite.
Coding change: c.11_15del on transcript NM_001605.3 (MANE Select); coding-DNA positions 11 to 15, 5 bases deleted (CTCTA; older notation c.11_15delCTCTA).
Protein change: p.Thr4fs; shifts the reading frame from threonine 4.
Molecular consequence: frameshift variant.
Genome position (GRCh38, 1-based): chr16:70,282,749-70,282,753, TAGAG deleted on the plus strand (CTCTA on the coding strand, the reverse complement: AARS1 is on the minus strand); deleting any 5 consecutive bases within chr16:70,282,749-70,282,759 gives the same sequence; the c. name uses the placement nearest the transcript's 3' end. VCF-style (leftmost placement, unchanged base first): chr16-70282748-TTAGAG-T. GRCh37 (hg19) VCF-style: chr16-70316651-TTAGAG-T.
Other names: short protein forms T4fs.
Identifiers: ClinVar variation 1323796 (VCV001323796.7), dbSNP rs1211684571, ClinGen allele CA723282442.

ClinVar aggregate classification (germline): Pathogenic (1 of 4 stars; one submission).

Conditions:
Charcot-Marie-Tooth disease type 2. Also called: Charcot-Marie-Tooth type 2. Identifiers: Orphanet 64746, MedGen C0270914, MONDO:0018993.

Submission:

Labcorp Genetics (formerly Invitae), Labcorp
Classification: Pathogenic for Charcot-Marie-Tooth disease type 2. Last evaluated: 2025-07-02. Review status: criteria provided, single submitter. Criteria: Invitae Variant Classification Sherloc (09022015). Collection method: clinical testing. Allele origin: germline.
Comment: This sequence change creates a premature translational stop signal (p.Thr4Asnfs*4) in the AARS gene. It is expected to result in an absent or disrupted protein product. Loss-of-function variants in AARS are known to be pathogenic (PMID: 25817015, 28493438, 34446925). This variant is not present in population databases (gnomAD no frequency). This variant has not been reported in the literature in individuals affected with AARS-related conditions. For these reasons, this variant has been classified as Pathogenic.

Literature cited by the submitters: PubMed 25817015; PubMed 28493438; PubMed 34446925.